The following is an entry in ClinVar:

NM_001297.5(CNGB1):c.2936G>A (p.Arg979His)

Gene: CNGB1 (cyclic nucleotide gated channel subunit beta 1; minus strand). Cytogenetic location: 16q21.
Variant type: single nucleotide variant.
Coding change: c.2936G>A on transcript NM_001297.5 (MANE Select); coding-DNA position 2936, G replaced by A.
Protein change: p.Arg979His; replaces arginine 979 with histidine.
Molecular consequence: missense variant.
Genome position (GRCh38, 1-based): chr16:57,901,392, C>T on the plus strand (G>A on the coding strand, the complement: CNGB1 is on the minus strand). VCF-style: chr16-57901392-C-T. GRCh37 (hg19) VCF-style: chr16-57935296-C-T.
Other names: c.2918G>A, p.Arg973His (NM_001286130.2); short protein forms R973H, R979H.
Identifiers: ClinVar variation 1431582 (VCV001431582.6), dbSNP rs576948875, ClinGen allele CA8082757.

ClinVar aggregate classification (germline): Uncertain significance. Review status: criteria provided, multiple submitters, no conflicts (2 of 4 stars). 2 submissions from 2 submitters: Uncertain significance (2). Last evaluated 2025-12-01.

Allele frequency attached by ClinVar (database versions not stated): gnomAD exomes 0.00001 and 0.00002; ExAC 0.00002; gnomAD 0.00007 and 0.00010; TOPMed 0.00009; 1000 Genomes Project 30x 0.00016; 1000 Genomes Project 0.00020.
gnomAD v4.1: 33 of 1,614,128 alleles (0.002%); highest among the groups gnomAD compares: Admixed American, 0.013%; no homozygotes.

Submissions (2):

Labcorp Genetics (formerly Invitae), Labcorp
Classification: Uncertain significance. Last evaluated: 2025-12-01. Review status: criteria provided, single submitter. Criteria: Invitae Variant Classification Sherloc (09022015). Collection method: clinical testing. Allele origin: germline.
Comment: This sequence change replaces arginine, which is basic and polar, with histidine, which is basic and polar, at codon 979 of the CNGB1 protein (p.Arg979His). This variant is present in population databases (rs576948875, gnomAD 0.003%). This variant has not been reported in the literature in individuals affected with CNGB1-related conditions. ClinVar contains an entry for this variant (Variation ID: 1431582). Invitae Evidence Modeling of protein sequence and biophysical properties (such as structural, functional, and spatial information, amino acid conservation, physicochemical variation, residue mobility, and thermodynamic stability) indicates that this missense variant is expected to disrupt CNGB1 protein function with a positive predictive value of 80%. In summary, the available evidence is currently insufficient to determine the role of this variant in disease. Therefore, it has been classified as a Variant of Uncertain Significance.

Blueprint Genetics
Classification: Uncertain significance. Last evaluated: 2021-06-16. Review status: criteria provided, single submitter. Criteria: ACMG Guidelines, 2015. Collection method: clinical testing. Allele origin: germline.